The following is an entry in ClinVar:

ClinVar aggregate classification (germline): Likely benign (0 of 4 stars; one submission).

Conditions:
LRRC45-related disorder. Also called: LRRC45-related condition.

gnomAD v4.1: 297 of 1,610,968 alleles (0.018%); highest among the groups gnomAD compares: African/African-American, 0.31%; no homozygotes.

Submission:

PreventionGenetics, part of Exact Sciences
Classification: Likely benign for LRRC45-related condition. Last evaluated: 2024-08-23. Review status: no assertion criteria provided. Collection method: clinical testing. Allele origin: germline.
Comment: This variant is classified as likely benign based on ACMG/AMP sequence variant interpretation guidelines (Richards et al. 2015 PMID: 25741868, with internal and published modifications).

NM_144999.4(LRRC45):c.897C>T (p.Asn299=)

Gene: LRRC45 (leucine rich repeat containing 45; plus strand). Cytogenetic location: 17q25.3.
Variant type: single nucleotide variant.
Coding change: c.897C>T on transcript NM_144999.4 (MANE Select); coding-DNA position 897, C replaced by T.
Protein change: p.Asn299=; no amino-acid change (asparagine 299 retained).
Molecular consequence: synonymous variant.
Genome position (GRCh38, 1-based): chr17:82,027,737, C>T. VCF-style: chr17-82027737-C-T. GRCh37 (hg19) VCF-style: chr17-79985613-C-T.
Identifiers: ClinVar variation 3350296 (VCV003350296.1).